The following is an entry in ClinVar:

ClinVar aggregate classification (germline): Pathogenic (1 of 4 stars; one submission).

Conditions:
Hypogonadotropic hypogonadism 1 with or without anosmia (HH1). Also called: Kallmann syndrome, type 1, X-linked; DYSPLASIA OLFACTOGENITALIS OF DE MORSIER; HYPOGONADOTROPIC HYPOGONADISM 1 WITH ANOSMIA; HYPOGONADOTROPIC HYPOGONADISM AND ANOSMIA; KAL1-Related GnRH Deficiency (Kallmann Syndrome 1; Kallmann Syndrome, X-Linked); Hypogonadotropic hypogonadism 1 with or without anosmia (Kallmann syndrome 1). Identifiers: Orphanet 478, MedGen C1563719, MONDO:0010635, OMIM 308700. Disease mechanism: loss of function.

Submission:

Labcorp Genetics (formerly Invitae), Labcorp
Classification: Pathogenic for Hypogonadotropic hypogonadism 1 with or without anosmia. Last evaluated: 2022-05-28. Review status: criteria provided, single submitter. Criteria: Invitae Variant Classification Sherloc (09022015). Collection method: clinical testing. Allele origin: germline.
Comment: This sequence change creates a premature translational stop signal (p.Gln610Argfs*10) in the ANOS1 gene. It is expected to result in an absent or disrupted protein product. Loss-of-function variants in ANOS1 are known to be pathogenic (PMID: 8504298, 11297579). This variant is not present in population databases (gnomAD no frequency). This variant has not been reported in the literature in individuals affected with ANOS1-related conditions. For these reasons, this variant has been classified as Pathogenic.

Literature cited by the submitters: PubMed 8504298; PubMed 11297579.

NM_000216.4(ANOS1):c.1828del (p.Gln610fs)

Gene: ANOS1 (anosmin 1; minus strand). Cytogenetic location: Xp22.31.
Variant type: Deletion.
Coding change: c.1828del on transcript NM_000216.4 (MANE Select); coding-DNA position 1828, one base deleted (C; older notation c.1828delC).
Protein change: p.Gln610fs; shifts the reading frame from glutamine 610.
Molecular consequence: frameshift variant.
Genome position (GRCh38, 1-based): chrX:8,535,605, G deleted on the plus strand (C on the coding strand, the reverse complement: ANOS1 is on the minus strand); the first of 3 consecutive G bases (chrX:8,535,605-8,535,607); deleting any one gives the same sequence. VCF-style (leftmost placement, unchanged base first): chrX-8535604-TG-T. GRCh37 (hg19) VCF-style: chrX-8503645-TG-T.
Other names: short protein forms Q610fs.
Identifiers: ClinVar variation 1999854 (VCV001999854.4), dbSNP rs2518467155, ClinGen allele CA2580102012.